The following is an entry in ClinVar:

ClinVar aggregate classification (germline): Uncertain significance (1 of 4 stars; one submission).

Allele frequency attached by ClinVar (database versions not stated): ExAC 0.00001; ESP Exome Variant Server 0.00008.
gnomAD v4.1: 4 of 1,614,002 alleles (0.00025%); highest among the groups gnomAD compares: African/African-American, 0.0053%; no homozygotes.

Submission:

Labcorp Genetics (formerly Invitae), Labcorp
Classification: Uncertain significance. Last evaluated: 2023-05-22. Review status: criteria provided, single submitter. Criteria: Invitae Variant Classification Sherloc (09022015). Collection method: clinical testing. Allele origin: germline.
Comment: In summary, the available evidence is currently insufficient to determine the role of this variant in disease. Therefore, it has been classified as a Variant of Uncertain Significance. An algorithm developed to predict the effect of missense changes on protein structure and function (PolyPhen-2) suggests that this variant is likely to be disruptive. This variant has not been reported in the literature in individuals affected with KIF20A-related conditions. This variant is present in population databases (rs374968389, gnomAD 0.007%). This sequence change replaces arginine, which is basic and polar, with leucine, which is neutral and non-polar, at codon 578 of the KIF20A protein (p.Arg578Leu).

NM_005733.3(KIF20A):c.1733G>T (p.Arg578Leu)

Gene: KIF20A (kinesin family member 20A; plus strand). Cytogenetic location: 5q31.2.
Variant type: single nucleotide variant.
Coding change: c.1733G>T on transcript NM_005733.3 (MANE Select); coding-DNA position 1733, G replaced by T.
Protein change: p.Arg578Leu; replaces arginine 578 with leucine.
Molecular consequence: missense variant.
Genome position (GRCh38, 1-based): chr5:138,184,856, G>T. VCF-style: chr5-138184856-G-T. GRCh37 (hg19) VCF-style: chr5-137520545-G-T.
Other names: short protein forms R578L.
Identifiers: ClinVar variation 2998986 (VCV002998986.3), dbSNP rs374968389, ClinGen allele CA3426694.